The following is an entry in ClinVar:

ClinVar aggregate classification (germline): Uncertain significance (1 of 4 stars; one submission).

Conditions:
Hereditary cancer-predisposing syndrome. Also called: Neoplastic Syndromes, Hereditary; Hereditary neoplastic syndrome; Tumor predisposition; Hereditary Cancer Syndrome. Identifiers: Orphanet 140162, MedGen C0027672, MeSH D009386, MONDO:0015356.

Submission:

Color Diagnostics, LLC DBA Color Health
Classification: Uncertain significance for Hereditary cancer-predisposing syndrome. Last evaluated: 2025-07-14. Review status: criteria provided, single submitter. Criteria: ACMG Guidelines, 2015. Collection method: clinical testing. Allele origin: germline.
Comment: This missense variant replaces phenylalanine with cysteine at codon 2083 of the BRCA2 protein. Computational prediction is inconclusive regarding the impact of this variant on protein structure and function. To our knowledge, functional studies have not been reported for this variant. This variant has not been reported in individuals affected with BRCA2-related disorders in the literature. This variant has not been identified in the general population by the Genome Aggregation Database (gnomAD). The available evidence is insufficient to determine the role of this variant in disease conclusively. Therefore, this variant is classified as a Variant of Uncertain Significance.

NM_000059.4(BRCA2):c.6248T>G (p.Phe2083Cys)

Gene: BRCA2 (BRCA2 DNA repair associated; plus strand). Cytogenetic location: 13q13.1.
Variant type: single nucleotide variant.
Coding change: c.6248T>G on transcript NM_000059.4 (MANE Select); coding-DNA position 6248, T replaced by G.
Protein change: p.Phe2083Cys; replaces phenylalanine 2083 with cysteine.
Molecular consequence: missense variant. On other transcripts: non-coding transcript variant (1), intron variant (2).
Genome position (GRCh38, 1-based): chr13:32,340,603, T>G. VCF-style: chr13-32340603-T-G. GRCh37 (hg19) VCF-style: chr13-32914740-T-G.
Other names: c.6248T>G, p.Phe2083Cys (NM_001406719.1, NM_001406720.1, NM_001432077.1); c.1910-3955T>G (NM_001406721.1); c.425-3955T>G (NM_001406722.1); short protein forms F2083C.
Identifiers: ClinVar variation 4758929 (VCV004758929.1).